The following is an entry in ClinVar:

NM_001267550.2(TTN):c.11311+4285A>G

Gene: TTN (titin; minus strand). Cytogenetic location: 2q31.2.
Variant type: single nucleotide variant.
Coding change: c.11311+4285A>G on transcript NM_001267550.2 (MANE Select); 4285 bases into the intron after coding-DNA position 11311, A replaced by G.
Molecular consequence: intron variant. On other transcripts: missense variant (1).
Genome position (GRCh38, 1-based): chr2:178,748,839, T>C on the plus strand (A>G on the coding strand, the complement: TTN is on the minus strand). VCF-style: chr2-178748839-T-C. GRCh37 (hg19) VCF-style: chr2-179613566-T-C.
Other names: c.13561A>G, p.Thr4521Ala (NM_133379.5); c.10222+4285A>G (NM_003319.4); c.10798+4285A>G (NM_133437.4); c.10597+4285A>G (NM_133432.3); c.10360+4285A>G (NM_133378.4, NM_001256850.1); short protein forms T4521A.
Identifiers: ClinVar variation 4958726 (VCV004958726.2).

ClinVar aggregate classification (germline): Conflicting classifications of pathogenicity. Review status: criteria provided, conflicting classifications (1 of 4 stars). 2 submissions from 2 submitters: Uncertain significance (1); Likely benign (1). Last evaluated 2025-09-24.

Conditions:
TTN-related disorder. Also called: TTN-related disorders; TTN-related condition; TTN-related disease.

gnomAD v4.1: 108 of 1,612,262 alleles (0.0067%); highest among the groups gnomAD compares: East Asian, 0.067%; no homozygotes.

Submissions (2):

PreventionGenetics, part of Exact Sciences
Classification: Uncertain significance for TTN-related condition. Last evaluated: 2025-09-24. Review status: criteria provided, single submitter. Criteria: ACMG Guidelines, 2015. Collection method: clinical testing. Allele origin: germline.
Comment: The TTN c.11311+4285A>G variant is predicted to interfere with splicing. Of note, this variant is also referred to as c.13561A>G (p.Thr4521Ala), located in exon 46 of the alternative Novex-3 transcript NM_133379 (minor small cardiac isoform). This exon is not included in any other TTN transcripts (principle cardiac or skeletal muscle isoforms). To our knowledge, this variant has not been reported in the literature. This variant is reported in 0.011% of alleles in individuals of East Asian descent in gnomAD. At this time, the clinical significance of this variant is uncertain due to the absence of conclusive functional and genetic evidence.

Blueprint Genetics
Classification: Likely benign. Last evaluated: 2023-02-15. Review status: criteria provided, single submitter. Criteria: ACMG Guidelines, 2015. Collection method: clinical testing. Allele origin: germline.